The following is an entry in ClinVar:

NM_000784.4(CYP27A1):c.1294del (p.Ser432fs)

Gene: CYP27A1 (cytochrome P450 family 27 subfamily A member 1; plus strand). Cytogenetic location: 2q35.
Variant type: Deletion.
Coding change: c.1294del on transcript NM_000784.4 (MANE Select); coding-DNA position 1294, one base deleted (T; older notation c.1294delT).
Protein change: p.Ser432fs; shifts the reading frame from serine 432.
Molecular consequence: frameshift variant.
Genome position (GRCh38, 1-based): chr2:218,814,575, T deleted. VCF-style (leftmost placement, unchanged base first): chr2-218814574-GT-G. GRCh37 (hg19) VCF-style: chr2-219679297-GT-G.
Other names: short protein forms S432fs.
Identifiers: ClinVar variation 4814476 (VCV004814476.1).

ClinVar aggregate classification (germline): Likely pathogenic (1 of 4 stars; one submission).

Conditions:
Cholestanol storage disease (CTX). Also called: Cerebrotendinous Xanthomatosis; CTX: Cerebrotendinous xanthomatosis; CEREBRAL CHOLESTERINOSIS. Identifiers: Orphanet 909, MedGen C0238052, MONDO:0008948, OMIM 213700.

Submission:

Natera, Inc.
Classification: Likely pathogenic for Cerebrotendinous xanthomatosis. Last evaluated: 2024-05-01. Review status: criteria provided, single submitter. Criteria: Natera Variant Classification Schema (03/2026). Collection method: clinical testing. Allele origin: germline.
Comment: The c.1294delT variant in CYP27A1 is a frameshift variant predicted to shift the reading frame beginning at codon 432 and leads to a stop codon 19 codons downstream. This variant is expected to result in nonsense mediated decay, truncation, or a dysfunctional protein product. This variant is rare in the general population with a frequency below the threshold expected for the associated phenotype(s). Given the available evidence, this variant is classified as Likely Pathogenic.